The following is an entry in ClinVar:

ClinVar aggregate classification (germline): Likely benign. Review status: criteria provided, multiple submitters, no conflicts (2 of 4 stars). 2 submissions from 2 submitters: Likely benign (2). Last evaluated 2025-08-16.

Conditions:
Dilated cardiomyopathy 1G (CMD1G). Identifiers: Orphanet 154, MedGen C1858763, MONDO:0011400, OMIM 604145.
Autosomal recessive limb-girdle muscular dystrophy type 2J (LGMDR10). Also called: Limb-girdle muscular dystrophy, type 2J; MUSCULAR DYSTROPHY, LIMB-GIRDLE, AUTOSOMAL RECESSIVE 10. Identifiers: Orphanet 140922, MedGen C1837342, MONDO:0012127, OMIM 608807.
TTN-related disorder. Also called: TTN-related disorders; TTN-related condition; TTN-related disease.

Allele frequency attached by ClinVar (database versions not stated): gnomAD exomes below 0.00001 and 0.00001; gnomAD 0.00003; TOPMed 0.00006.

Submissions (2):

PreventionGenetics, part of Exact Sciences
Classification: Likely benign for TTN-related condition. Last evaluated: 2025-08-16. Review status: criteria provided, single submitter. Criteria: ACMG Guidelines, 2015. Collection method: clinical testing. Allele origin: germline.
Comment: This variant is classified as likely benign based on ACMG/AMP sequence variant interpretation guidelines (Richards et al. 2015 PMID: 25741868, with internal and published modifications).

Labcorp Genetics (formerly Invitae), Labcorp
Classification: Likely benign for Dilated cardiomyopathy 1G; Autosomal recessive limb-girdle muscular dystrophy type 2J. Last evaluated: 2025-03-12. Review status: criteria provided, single submitter. Criteria: Invitae Variant Classification Sherloc (09022015). Collection method: clinical testing. Allele origin: germline.

NM_001267550.2(TTN):c.40065A>G (p.Lys13355=)

Gene: TTN (titin; minus strand). Cytogenetic location: 2q31.2.
Variant type: single nucleotide variant.
Coding change: c.40065A>G on transcript NM_001267550.2 (MANE Select); coding-DNA position 40065, A replaced by G.
Protein change: p.Lys13355=; no amino-acid change (lysine 13355 retained).
Molecular consequence: synonymous variant. On other transcripts: intron variant (5).
Genome position (GRCh38, 1-based): chr2:178,647,457, T>C on the plus strand (A>G on the coding strand, the complement: TTN is on the minus strand). VCF-style: chr2-178647457-T-C. GRCh37 (hg19) VCF-style: chr2-179512184-T-C.
Other names: c.13283-5140A>G (NM_003319.4); c.13859-5140A>G (NM_133437.4); c.13658-5140A>G (NM_133432.3); c.32594-1427A>G (NM_133378.4); c.35375-1427A>G (NM_001256850.1).
Identifiers: ClinVar variation 1533789 (VCV001533789.9), dbSNP rs1396223140, ClinGen allele CA430103432.